The following is an entry in ClinVar:

NM_182925.5(FLT4):c.3565C>T (p.Arg1189Cys)

Gene: FLT4 (fms related receptor tyrosine kinase 4; minus strand). Cytogenetic location: 5q35.3.
Variant type: single nucleotide variant.
Coding change: c.3565C>T on transcript NM_182925.5 (MANE Select); coding-DNA position 3565, C replaced by T.
Protein change: p.Arg1189Cys; replaces arginine 1189 with cysteine.
Molecular consequence: missense variant.
Genome position (GRCh38, 1-based): chr5:180,611,452, G>A on the plus strand (C>T on the coding strand, the complement: FLT4 is on the minus strand). VCF-style: chr5-180611452-G-A. GRCh37 (hg19) VCF-style: chr5-180038452-G-A.
Other names: c.3565C>T, p.Arg1189Cys (NM_001354989.2, NM_002020.5); short protein forms R1189C.
Identifiers: ClinVar variation 4537808 (VCV004537808.1).

ClinVar aggregate classification (germline): Uncertain significance (1 of 4 stars; one submission).

gnomAD v4.1: 18 of 1,613,932 alleles (0.0011%); highest among the groups gnomAD compares: Admixed American, 0.005%; no homozygotes.

Submission:

GeneDx
Classification: Uncertain significance. Last evaluated: 2025-06-13. Review status: criteria provided, single submitter. Criteria: GeneDx Variant Classification Process June 2021. Collection method: clinical testing. Allele origin: germline. Affected: yes.
Comment: Not observed at significant frequency in large population cohorts (gnomAD); In silico analysis suggests that this missense variant does not alter protein structure/function; Has not been previously published as pathogenic or benign to our knowledge